The following is an entry in ClinVar:

NC_000015.10:g.84817109A>T

Gene: ALPK3 (alpha kinase 3; plus strand). Cytogenetic location: 15q25.3.
Variant type: single nucleotide variant.
Genome position: GRCh38 VCF-style: chr15-84817109-A-T. GRCh37 (hg19) VCF-style: chr15-85360340-A-T.
Identifiers: ClinVar variation 1368119 (VCV001368119.8), dbSNP rs2141541721, ClinGen allele CA393368551.

ClinVar aggregate classification (germline): Uncertain significance (1 of 4 stars; one submission).

Submission:

Labcorp Genetics (formerly Invitae), Labcorp
Classification: Uncertain significance. Last evaluated: 2021-05-16. Review status: criteria provided, single submitter. Criteria: Invitae Variant Classification Sherloc (09022015). Collection method: clinical testing. Allele origin: germline.
Comment: This sequence change replaces aspartic acid with valine at codon 88 of the ALPK3 protein (p.Asp88Val). The aspartic acid residue is weakly conserved and there is a large physicochemical difference between aspartic acid and valine. In summary, the available evidence is currently insufficient to determine the role of this variant in disease. Therefore, it has been classified as a Variant of Uncertain Significance. Algorithms developed to predict the effect of missense changes on protein structure and function output the following: SIFT: "Tolerated"; PolyPhen-2: "Benign"; Align-GVGD: "Class C0". The valine amino acid residue is found in multiple mammalian species, suggesting that this missense change does not adversely affect protein function. These predictions have not been confirmed by published functional studies and their clinical significance is uncertain. This variant has not been reported in the literature in individuals with ALPK3-related conditions. This variant is not present in population databases (ExAC no frequency).